The following is an entry in ClinVar:

ClinVar aggregate classification (germline): Likely benign. Review status: criteria provided, multiple submitters, no conflicts (2 of 4 stars). 3 submissions from 3 submitters: Likely benign (3). Last evaluated 2025-08-27.

Conditions:
Malignant hyperthermia, susceptibility to, 5 (MHS5). Also called: CACNA1S-Related Malignant Hyperthermia Susceptibility. Identifiers: Orphanet 423, MedGen C1866077, MONDO:0011163, OMIM 601887.
Hypokalemic periodic paralysis, type 1. Also called: HypoPP; Hypokalemic Periodic Paralysis Type 1 (AD). Identifiers: Orphanet 681, MedGen C3714580, MONDO:0042979, OMIM 170400.

Allele frequency attached by ClinVar (database versions not stated): gnomAD 0.00001; gnomAD exomes 0.00001; TOPMed 0.00002.
gnomAD v4.1: 29 of 1,560,996 alleles (0.0019%); highest among the groups gnomAD compares: East Asian, 0.019%; no homozygotes.

Submissions (3):

Labcorp Genetics (formerly Invitae), Labcorp
Classification: Likely benign for Hypokalemic periodic paralysis, type 1; Malignant hyperthermia, susceptibility to, 5. Last evaluated: 2025-08-27. Review status: criteria provided, single submitter. Criteria: Invitae Variant Classification Sherloc (09022015). Collection method: clinical testing. Allele origin: germline.

All of Us Research Program, National Institutes of Health
Classification: Likely benign for Malignant hyperthermia, susceptibility to, 5. Last evaluated: 2023-11-20. Review status: criteria provided, single submitter. Criteria: ACMG Guidelines, 2015. Collection method: clinical testing. Allele origin: germline. Inheritance: Autosomal dominant inheritance. Observed: 4 variant alleles, 4 heterozygotes.
Comment: This study involves interpretation of variants in research participants for the purpose of population health screening. Participant phenotype was not available at the time of variant classification. Additional details can be found in publication PMID: 35346344, PMCID: PMC8962531

Color Diagnostics, LLC DBA Color Health
Classification: Likely benign for Malignant hyperthermia, susceptibility to, 5. Last evaluated: 2022-11-17. Review status: criteria provided, single submitter. Criteria: ACMG Guidelines, 2015. Collection method: clinical testing. Allele origin: germline.

NM_000069.3(CACNA1S):c.2385C>T (p.Ile795=)

Gene: CACNA1S (calcium voltage-gated channel subunit alpha1 S; minus strand). Cytogenetic location: 1q32.1.
Variant type: single nucleotide variant.
Coding change: c.2385C>T on transcript NM_000069.3 (MANE Select); coding-DNA position 2385, C replaced by T.
Protein change: p.Ile795=; no amino-acid change (isoleucine 795 retained).
Molecular consequence: synonymous variant.
Genome position (GRCh38, 1-based): chr1:201,069,577, G>A on the plus strand (C>T on the coding strand, the complement: CACNA1S is on the minus strand). VCF-style: chr1-201069577-G-A. GRCh37 (hg19) VCF-style: chr1-201038705-G-A.
Identifiers: ClinVar variation 1591922 (VCV001591922.10), dbSNP rs200730765, ClinGen allele CA35973591.